The following is an entry in ClinVar:

NM_001127511.3(APC):c.150G>A (p.Trp50Ter)

Gene: APC (APC regulator of Wnt signaling pathway; plus strand). Cytogenetic location: 5q22.2.
Variant type: single nucleotide variant.
Coding change: c.150G>A on transcript NM_001127511.3; coding-DNA position 150, G replaced by A.
Protein change: p.Trp50Ter; replaces tryptophan 50 with a stop codon.
Molecular consequence: nonsense. On other transcripts: 5 prime UTR variant (8), non-coding transcript variant (1), intron variant (5).
Genome position (GRCh38, 1-based): chr5:112,707,867, G>A. VCF-style: chr5-112707867-G-A. GRCh37 (hg19) VCF-style: chr5-112043564-G-A.
Other names: c.-34G>A (NM_001354895.2, NM_001407447.1, NM_001407452.1 and 3 more transcripts); c.150G>A, p.Trp50Ter (NM_001354897.2, NM_001354902.2, NM_001407446.1); c.-1069G>A (NM_001407470.1, NM_001407472.1); c.-19+218G>A (NM_001407448.1, NM_001407450.1, NM_001407457.1 and 1 more transcripts); c.-43+218G>A (NM_001407453.1); short protein forms W50*.
Identifiers: ClinVar variation 469788 (VCV000469788.8), dbSNP rs1163442131, ClinGen allele CA360612168.

ClinVar aggregate classification (germline): Uncertain significance. Review status: criteria provided, multiple submitters, no conflicts (2 of 4 stars). 2 submissions from 2 submitters: Uncertain significance (2). Last evaluated 2026-06-25.

Conditions:
APC-related disorder. Also called: APC-related condition.
Familial adenomatous polyposis 1 (FAP1). Also called: FAMILIAL ADENOMATOUS POLYPOSIS 1, ATTENUATED; POLYPOSIS, ADENOMATOUS INTESTINAL. Identifiers: MedGen C2713442, MONDO:0021056, OMIM 175100. Disease mechanism: loss of function.

Allele frequency attached by ClinVar (database versions not stated): TOPMed 0.00001.
gnomAD v4.1: 2 of 1,369,442 alleles (0.00015%); highest among the groups gnomAD compares: Non-Finnish European, 0.00019%; no homozygotes.

Submissions (2):

PreventionGenetics, part of Exact Sciences
Classification: Uncertain significance for APC-related condition. Last evaluated: 2026-06-25. Review status: criteria provided, single submitter. Criteria: ACMG Guidelines, 2015. Collection method: clinical testing. Allele origin: germline.
Comment: The APC c.-30077G>A variant is not predicted to result in an amino acid change (p.=). This variant is also known as c.150G>A (p.Trp50*) under the promoter 1B transcript NM_001127511.2. To our knowledge, this variant has not been reported in the literature or in a large population database (gnomAD), indicating this variant is rare. This variant is classified as uncertain significance in ClinVar (Variation ID: 469788). At this time, the clinical significance of this variant is uncertain due to the absence of conclusive functional and genetic evidence.

Labcorp Genetics (formerly Invitae), Labcorp
Classification: Uncertain significance for Familial adenomatous polyposis 1. Last evaluated: 2025-11-18. Review status: criteria provided, single submitter. Criteria: Invitae Variant Classification Sherloc (09022015). Collection method: clinical testing. Allele origin: germline.
Comment: This variant occurs in a non-coding region of the APC gene. It does not change the encoded amino acid sequence of the APC protein. This variant is not present in population databases (gnomAD no frequency). This variant has not been reported in the literature in individuals affected with APC-related conditions. ClinVar contains an entry for this variant (Variation ID: 469788). Experimental studies and prediction algorithms are not available or were not evaluated, and the functional significance of this variant is currently unknown. In summary, the available evidence is currently insufficient to determine the role of this variant in disease. Therefore, it has been classified as a Variant of Uncertain Significance.